The following is an entry in ClinVar:

ClinVar aggregate classification (germline): Pathogenic (1 of 4 stars; one submission).

Submission:

Labcorp Genetics (formerly Invitae), Labcorp
Classification: Pathogenic. Last evaluated: 2025-07-22. Review status: criteria provided, single submitter. Criteria: Invitae Variant Classification Sherloc (09022015). Collection method: clinical testing. Allele origin: germline.
Comment: This sequence change creates a premature translational stop signal (p.Phe560Serfs*16) in the GRM1 gene. It is expected to result in an absent or disrupted protein product. Loss-of-function variants in GRM1 are known to be pathogenic (PMID: 7969468, 31319223). This variant is not present in population databases (gnomAD no frequency). This variant has not been reported in the literature in individuals affected with GRM1-related conditions. For these reasons, this variant has been classified as Pathogenic.

Literature cited by the submitters: PubMed 7969468; PubMed 31319223.

NM_001278064.2(GRM1):c.1679del (p.Phe560fs)

Gene: GRM1 (glutamate metabotropic receptor 1; plus strand). Cytogenetic location: 6q24.3.
Variant type: Deletion.
Coding change: c.1679del on transcript NM_001278064.2 (MANE Select); coding-DNA position 1679, one base deleted (T; older notation c.1679delT).
Protein change: p.Phe560fs; shifts the reading frame from phenylalanine 560.
Molecular consequence: frameshift variant.
Genome position (GRCh38, 1-based): chr6:146,386,966, T deleted; the last of 2 consecutive T bases (chr6:146,386,965-146,386,966); deleting either gives the same sequence. VCF-style (leftmost placement, unchanged base first): chr6-146386964-GT-G. GRCh37 (hg19) VCF-style: chr6-146708100-GT-G.
Other names: c.1679del, p.Phe560fs (NM_001278065.2, NM_001278066.1, NM_001278067.1); short protein forms F560fs.
Identifiers: ClinVar variation 4723807 (VCV004723807.1).